The following is an entry in ClinVar:

NM_001035.3(RYR2):c.13476+6A>T

Gene: RYR2 (ryanodine receptor 2; plus strand). Cytogenetic location: 1q43.
Variant type: single nucleotide variant.
Coding change: c.13476+6A>T on transcript NM_001035.3 (MANE Select); 6 bases into the intron after coding-DNA position 13476, A replaced by T.
Molecular consequence: intron variant.
Genome position (GRCh38, 1-based): chr1:237,788,141, A>T. VCF-style: chr1-237788141-A-T. GRCh37 (hg19) VCF-style: chr1-237951441-A-T.
Identifiers: ClinVar variation 1171528 (VCV001171528.8), dbSNP rs1457866950, ClinGen allele CA2499214609.

ClinVar aggregate classification (germline): Uncertain significance. Review status: criteria provided, multiple submitters, no conflicts (2 of 4 stars). 3 submissions from 3 submitters: Uncertain significance (3). Last evaluated 2023-11-17.

Conditions:
Catecholaminergic polymorphic ventricular tachycardia 1. Also called: VENTRICULAR TACHYCARDIA, STRESS-INDUCED POLYMORPHIC 1; VENTRICULAR TACHYCARDIA, CATECHOLAMINERGIC POLYMORPHIC, 1, WITH OR WITHOUT ATRIAL DYSFUNCTION AND/OR DILATED CARDIOMYOPATHY; RYR2-Related Catecholaminergic Polymorphic Ventricular Tachycardia. Identifiers: Orphanet 3286, MedGen C1631597, MONDO:0011484, OMIM 604772.
Catecholaminergic polymorphic ventricular tachycardia (CVPT). Also called: Catecholamine-induced polymorphic ventricular tachycardia. Identifiers: Orphanet 3286, MedGen C5574922, MONDO:0017990.
Cardiomyopathy (CMYO). Also called: Cardiomyopathies. Identifiers: Orphanet 167848, MedGen C0878544, MONDO:0004994, HP:0001638. Inheritance: Various modes of inheritance.

gnomAD v4.1: 1 of 1,602,744 alleles (0.000062%); highest among the groups gnomAD compares: Non-Finnish European, 0.000085%; no homozygotes.

Submissions (3):

Labcorp Genetics (formerly Invitae), Labcorp
Classification: Uncertain significance for Catecholaminergic polymorphic ventricular tachycardia 1. Last evaluated: 2023-11-17. Review status: criteria provided, single submitter. Criteria: Invitae Variant Classification Sherloc (09022015). Collection method: clinical testing. Allele origin: germline.
Comment: This sequence change falls in intron 92 of the RYR2 gene. It does not directly change the encoded amino acid sequence of the RYR2 protein. It affects a nucleotide within the consensus splice site. This variant is not present in population databases (gnomAD no frequency). This variant has not been reported in the literature in individuals affected with RYR2-related conditions. ClinVar contains an entry for this variant (Variation ID: 1171528). Variants that disrupt the consensus splice site are a relatively common cause of aberrant splicing (PMID: 17576681, 9536098). Algorithms developed to predict the effect of sequence changes on RNA splicing suggest that this variant is not likely to affect RNA splicing. In summary, the available evidence is currently insufficient to determine the role of this variant in disease. Therefore, it has been classified as a Variant of Uncertain Significance.

All of Us Research Program, National Institutes of Health
Classification: Uncertain significance for Catecholaminergic polymorphic ventricular tachycardia. Last evaluated: 2023-08-15. Review status: criteria provided, single submitter. Criteria: ACMG Guidelines, 2015. Collection method: clinical testing. Allele origin: germline. Inheritance: Autosomal dominant inheritance. Observed: 1 variant allele, 1 heterozygote.
Comment: This variant causes an A to T nucleotide substitution at the +6 position of intron 92 of the RYR2 gene. Splice prediction tools and conservation analysis are inconclusive regarding the impact of this variant on RNA splicing. To our knowledge, functional studies have not been reported for this variant. This variant has not been reported in individuals affected with cardiovascular disorders in the literature. This variant has not been identified in the general population by the Genome Aggregation Database (gnomAD). The available evidence is insufficient to determine the role of this variant in disease conclusively. Therefore, this variant is classified as a Variant of Uncertain Significance.

This study involves interpretation of variants in research participants for the purpose of population health screening. Participant phenotype was not available at the time of variant classification. Additional details can be found in publication PMID: 35346344, PMCID: PMC8962531

Color Diagnostics, LLC DBA Color Health
Classification: Uncertain significance for Cardiomyopathy. Last evaluated: 2023-07-25. Review status: criteria provided, single submitter. Criteria: ACMG Guidelines, 2015. Collection method: clinical testing. Allele origin: germline.
Comment: This variant causes an A to T nucleotide substitution at the +6 position of intron 92 of the RYR2 gene. Splice prediction tools and conservation analysis are inconclusive regarding the impact of this variant on RNA splicing. To our knowledge, functional studies have not been reported for this variant. This variant has not been reported in individuals affected with cardiovascular disorders in the literature. This variant has not been identified in the general population by the Genome Aggregation Database (gnomAD). The available evidence is insufficient to determine the role of this variant in disease conclusively. Therefore, this variant is classified as a Variant of Uncertain Significance.

Literature cited by the submitters: PubMed 17576681 (cited by Labcorp Genetics (formerly Invitae), Labcorp); PubMed 9536098 (cited by Labcorp Genetics (formerly Invitae), Labcorp).